The following is an entry in ClinVar:

NM_198525.3(KIF7):c.3554A>T (p.Gln1185Leu)

Genes: KIF7 (kinesin family member 7; minus strand), LOC126862216 (BRD4-independent group 4 enhancer GRCh37_chr15:90171995-90173194; plus strand). Cytogenetic location: 15q26.1.
Variant type: single nucleotide variant.
Coding change: c.3554A>T on transcript NM_198525.3 (MANE Select); coding-DNA position 3554, A replaced by T.
Protein change: p.Gln1185Leu; replaces glutamine 1185 with leucine.
Molecular consequence: missense variant.
Genome position (GRCh38, 1-based): chr15:89,629,086, T>A on the plus strand (A>T on the coding strand, the complement: KIF7 is on the minus strand). VCF-style: chr15-89629086-T-A. GRCh37 (hg19) VCF-style: chr15-90172317-T-A.
Other names: short protein forms Q1185L.
Identifiers: ClinVar variation 1484941 (VCV001484941.5), dbSNP rs1479026507, ClinGen allele CA393754182.

ClinVar aggregate classification (germline): Uncertain significance. Review status: criteria provided, multiple submitters, no conflicts (2 of 4 stars). 2 submissions from 2 submitters: Uncertain significance (2). Last evaluated 2021-10-10.

Conditions:
Acrocallosal syndrome (ACLS). Also called: Schinzel syndrome 1; Absence of corpus callosum with unusual facial appearance, mental deficiency, duplication of the halluces and polydactyly; HALLUX DUPLICATION, POSTAXIAL POLYDACTYLY, AND ABSENCE OF CORPUS CALLOSUM. Identifiers: Orphanet 36, MedGen C0796147, MONDO:0008708, OMIM 200990.

Allele frequency attached by ClinVar (database versions not stated): gnomAD exomes below 0.00001; gnomAD 0.00001; TOPMed 0.00001.
gnomAD v4.1: 9 of 1,612,782 alleles (0.00056%); highest among the groups gnomAD compares: African/African-American, 0.0013%; no homozygotes.

Submissions (2):

Labcorp Genetics (formerly Invitae), Labcorp
Classification: Uncertain significance for Acrocallosal syndrome. Last evaluated: 2021-10-10. Review status: criteria provided, single submitter. Criteria: Invitae Variant Classification Sherloc (09022015). Collection method: clinical testing. Allele origin: germline.
Comment: This sequence change replaces glutamine with leucine at codon 1185 of the KIF7 protein (p.Gln1185Leu). The glutamine residue is highly conserved and there is a moderate physicochemical difference between glutamine and leucine. In summary, the available evidence is currently insufficient to determine the role of this variant in disease. Therefore, it has been classified as a Variant of Uncertain Significance. Algorithms developed to predict the effect of missense changes on protein structure and function output the following: SIFT: "Deleterious"; PolyPhen-2: "Benign"; Align-GVGD: "Class C0". The leucine amino acid residue is found in multiple mammalian species, which suggests that this missense change does not adversely affect protein function. This variant has not been reported in the literature in individuals affected with KIF7-related conditions. This variant is not present in population databases (ExAC no frequency).

Blueprint Genetics
Classification: Uncertain significance. Last evaluated: 2019-01-31. Review status: criteria provided, single submitter. Criteria: ACMG Guidelines, 2015. Collection method: clinical testing. Allele origin: germline.